The following is an entry in ClinVar:

ClinVar aggregate classification (germline): Uncertain significance (1 of 4 stars; one submission).

Conditions:
POLD1-related polyposis and colorectal cancer syndrome (CRCS10). Also called: Colorectal cancer 10; Colorectal cancer, susceptibility to, 10; COLORECTAL CANCER, SUSCEPTIBILITY TO, ON CHROMOSOME 19q. Identifiers: Orphanet 220460, MedGen C2675481, MONDO:0012953, OMIM 612591.

Allele frequency attached by ClinVar (database versions not stated): gnomAD exomes below 0.00001.
gnomAD v4.1: 1 of 1,612,848 alleles (0.000062%); highest among the groups gnomAD compares: Non-Finnish European, 0.000085%; no homozygotes.

Submission:

Labcorp Genetics (formerly Invitae), Labcorp
Classification: Uncertain significance for POLD1-related polyposis and colorectal cancer syndrome. Last evaluated: 2025-09-24. Review status: criteria provided, single submitter. Criteria: Invitae Variant Classification Sherloc (09022015). Collection method: clinical testing. Allele origin: germline.
Comment: This sequence change replaces alanine, which is neutral and non-polar, with proline, which is neutral and non-polar, at codon 862 of the POLD1 protein (p.Ala862Pro). This variant is not present in population databases (gnomAD no frequency). This variant has not been reported in the literature in individuals affected with POLD1-related conditions. ClinVar contains an entry for this variant (Variation ID: 2695633). Invitae Evidence Modeling of protein sequence and biophysical properties (such as structural, functional, and spatial information, amino acid conservation, physicochemical variation, residue mobility, and thermodynamic stability) indicates that this missense variant is not expected to disrupt POLD1 protein function with a negative predictive value of 80%. In summary, the available evidence is currently insufficient to determine the role of this variant in disease. Therefore, it has been classified as a Variant of Uncertain Significance.

NM_002691.4(POLD1):c.2584G>C (p.Ala862Pro)

Gene: POLD1 (DNA polymerase delta 1, catalytic subunit; plus strand). Cytogenetic location: 19q13.33.
Variant type: single nucleotide variant.
Coding change: c.2584G>C on transcript NM_002691.4 (MANE Select); coding-DNA position 2584, G replaced by C.
Protein change: p.Ala862Pro; replaces alanine 862 with proline.
Molecular consequence: missense variant. On other transcripts: non-coding transcript variant (1).
Genome position (GRCh38, 1-based): chr19:50,415,457, G>C. VCF-style: chr19-50415457-G-C. GRCh37 (hg19) VCF-style: chr19-50918714-G-C.
Other names: c.2584G>C, p.Ala862Pro (NM_001256849.1); c.2662G>C, p.Ala888Pro (NM_001308632.1); short protein forms A862P, A888P.
Identifiers: ClinVar variation 2695633 (VCV002695633.3), dbSNP rs2514053324, ClinGen allele CA406985325.